The following is an entry in ClinVar:

NM_001163809.2(WDR81):c.3997C>T (p.Arg1333Ter)

Gene: WDR81 (WD repeat domain 81; plus strand). Cytogenetic location: 17p13.3.
Variant type: single nucleotide variant.
Coding change: c.3997C>T on transcript NM_001163809.2 (MANE Select); coding-DNA position 3997, C replaced by T.
Protein change: p.Arg1333Ter; replaces arginine 1333 with a stop codon.
Molecular consequence: nonsense.
Genome position (GRCh38, 1-based): chr17:1,731,098, C>T. VCF-style: chr17-1731098-C-T. GRCh37 (hg19) VCF-style: chr17-1634392-C-T.
Other names: WDR81, ARG1333TER (rs138358708); c.388C>T (NM_001163673.1); c.388C>T, p.Arg130Ter (NM_001163673.2); c.316C>T, p.Arg106Ter (NM_001163811.2); c.844C>T, p.Arg282Ter (NM_152348.4); short protein forms R1333*, R130*, R106*, R282*.
Identifiers: ClinVar variation 224836 (VCV000224836.12), dbSNP rs138358708, ClinGen allele CA354996.

ClinVar aggregate classification (germline): Pathogenic/Likely pathogenic. Review status: criteria provided, multiple submitters, no conflicts (2 of 4 stars). 7 submissions from 7 submitters: Pathogenic (4); Likely pathogenic (1). 2 of the submissions do not count toward it. Last evaluated 2025-01-20.

Conditions:
Cerebellar ataxia. Identifiers: Orphanet 102002, MedGen C0007758, MONDO:0000437.
Inborn genetic diseases. Identifiers: MedGen C0950123, MeSH D030342.
Cerebellar ataxia, impaired intellectual development, and dysequilibrium syndrome 2. Also called: Cerebellar ataxia, intellectual disability, and dysequilibrium syndrome 2; CEREBELLAR ATAXIA, MENTAL RETARDATION, AND DYSEQUILIBRIUM SYNDROME 2; CEREBELLAR ATAXIA AND MENTAL RETARDATION WITH OR WITHOUT QUADRUPEDAL LOCOMOTION 2. Identifiers: Orphanet 1766, MedGen C2750234, MONDO:0012430, OMIM 610185.

Allele frequency attached by ClinVar (database versions not stated): ExAC 0.00001; gnomAD 0.00001; gnomAD exomes 0.00001; TOPMed 0.00001; ESP Exome Variant Server 0.00008.
gnomAD v4.1: 6 of 1,612,748 alleles (0.00037%); highest among the groups gnomAD compares: African/African-American, 0.0013%; no homozygotes.

Submissions (7):

First Genomix Gene Laboratory, Genetic Diagnostics Department
Classification: Pathogenic for Cerebellar ataxia, impaired intellectual development, and dysequilibrium syndrome 2. Last evaluated: 2025-01-20. Review status: criteria provided, single submitter. Criteria: ACMG Guidelines, 2015. Collection method: clinical testing. Allele origin: germline. Inheritance: Autosomal recessive inheritance. Affected: no. Observed: 1 variant allele.

Ambry Genetics
Classification: Pathogenic for Inborn genetic diseases. Last evaluated: 2024-11-01. Review status: criteria provided, single submitter. Criteria: Ambry Variant Classification Scheme 2023. Collection method: clinical testing. Allele origin: germline.
Comment: The c.3997C>T (p.R1333*) alteration, located in exon 4 (coding exon 4) of the WDR81 gene, consists of a C to T substitution at nucleotide position 3997. This changes the amino acid from an arginine (R) to a stop codon at amino acid position 1333. This alteration is expected to result in loss of function by premature protein truncation or nonsense-mediated mRNA decay. Based on data from gnomAD, the T allele has an overall frequency of 0.001% (2/247938) total alleles studied. The highest observed frequency was 0.013% (2/15940) of African alleles. This variant has been identified in the homozygous state in individual(s) with features consistent with WDR81-related brain malformations (Komara, 2016; Trujillano, 2017). Based on the available evidence, this alteration is classified as pathogenic.

Dubai Health Genomic Medicine Center, Dubai Health
Classification: Likely pathogenic for Cerebellar ataxia. Last evaluated: 2024-10-04. Review status: criteria provided, single submitter. Criteria: ACMG Guidelines, 2015. Collection method: research. Allele origin: germline. Affected: yes.
Comment: PVS1,PM2

Genomic Medicine Center of Excellence, King Faisal Specialist Hospital and Research Centre
Classification: Pathogenic for Cerebellar ataxia, impaired intellectual development, and dysequilibrium syndrome 2. Last evaluated: 2024-03-17. Review status: criteria provided, single submitter. Criteria: ACMG Guidelines, 2015. Collection method: research. Allele origin: germline.

GeneDx
Classification: Pathogenic. Last evaluated: 2023-10-26. Review status: criteria provided, single submitter. Criteria: GeneDx Variant Classification Process June 2021. Collection method: clinical testing. Allele origin: germline. Affected: yes.
Comment: Nonsense variant predicted to result in protein truncation or nonsense mediated decay in a gene for which loss-of-function is a known mechanism of disease; Not observed at significant frequency in large population cohorts (gnomAD); This variant is associated with the following publications: (PMID: 33724704, 31345219, 27535533, 26437881)

OMIM
Classification: Pathogenic for CEREBELLAR ATAXIA, IMPAIRED INTELLECTUAL DEVELOPMENT, AND DYSEQUILIBRIUM SYNDROME 2. Last evaluated: 2022-12-21. Review status: no assertion criteria provided. Collection method: literature only. Allele origin: germline. Not counted in ClinVar's aggregate classification.

Service de Génétique Moléculaire, Hôpital Robert Debré
Classification: Pathogenic for Cerebellar ataxia, impaired intellectual development, and dysequilibrium syndrome 2. Review status: no assertion criteria provided. Collection method: clinical testing. Allele origin: unknown. Affected: yes. Not counted in ClinVar's aggregate classification.

Literature cited by the submitters: PubMed 26437881 (cited by Ambry Genetics and OMIM); PubMed 27848944 (cited by Ambry Genetics).